The following is an entry in ClinVar:

NM_004006.3(DMD):c.8027+2T>A

Gene: DMD (dystrophin; minus strand). Cytogenetic location: Xp21.1.
Variant type: single nucleotide variant.
Coding change: c.8027+2T>A on transcript NM_004006.3 (MANE Select); the canonical splice donor site of the intron after coding-DNA position 8027, T replaced by A.
Molecular consequence: splice donor variant.
Genome position (GRCh38, 1-based): chrX:31,657,988, A>T on the plus strand (T>A on the coding strand, the complement: DMD is on the minus strand). VCF-style: chrX-31657988-A-T. GRCh37 (hg19) VCF-style: chrX-31676105-A-T.
Other names: NC_000023.10:g.31676105A>T; c.8003+2T>A (NM_000109.4); c.4004+2T>A (NM_004011.4); c.3995+2T>A (NM_004012.4); c.647+2T>A (NM_004023.3, NM_004020.4, NM_004022.3 and 2 more transcripts); c.8015+2T>A (NM_004009.3); c.7658+2T>A (NM_004010.3).
Identifiers: ClinVar variation 217212 (VCV000217212.4), dbSNP rs863225010, ClinGen allele CA347521.
Genomic context (GRCh38, chrX:31,657,988, plus strand): 5'-ATCCAGTTTCACCACCCCATTATTACAGCCAACAGTAGTTTTAGAAATAATGTAATTCAT[A>T]CCTTTTATGAATGCTTCTCCAAGAGGCATTGATATTCTCTGTTATCATGTGGACTTTTCT-3'

ClinVar aggregate classification (germline): Pathogenic/Likely pathogenic. Review status: criteria provided, multiple submitters, no conflicts (2 of 4 stars). 3 submissions from 3 submitters: Pathogenic (2); Likely pathogenic (1). Last evaluated 2023-06-28.

Conditions:
Neuromuscular disease caused by qualitative or quantitative defects of dystrophin. Also called: Qualitative or quantitative defects of dystrophin. Identifiers: Orphanet 207085, MedGen C5679787, MONDO:0016147.
Duchenne muscular dystrophy (DMD). Also called: MUSCULAR DYSTROPHY, PSEUDOHYPERTROPHIC PROGRESSIVE, DUCHENNE TYPE; Duchenne Muscular Dystrophy (DMD). Identifiers: Orphanet 98896, MedGen C0013264, MONDO:0010679, OMIM 310200.

Submissions (4):

GeneDx
Classification: Pathogenic. Last evaluated: 2023-06-28. Review status: criteria provided, single submitter. Criteria: GeneDx Variant Classification Process June 2021. Collection method: clinical testing. Allele origin: germline. Affected: yes.
Comment: Canonical splice site variant predicted to result in a null allele in a gene for which loss of function is a known mechanism of disease; Not observed in large population cohorts (gnomAD); This variant is associated with the following publications: (PMID: 22223181, 32194622, 32906206, 19760747, 19937601)

Women's Health and Genetics/Laboratory Corporation of America, LabCorp
Classification: Likely pathogenic for Dystrophinopathies. Last evaluated: 2020-05-15. Review status: criteria provided, single submitter. Criteria: LabCorp Variant Classification Summary - May 2015. Collection method: clinical testing. Allele origin: germline.
Comment: Variant summary: DMD c.8027+2T>A is located in a canonical splice-site and is predicted to affect mRNA splicing resulting in a significantly altered protein due to either exon skipping, shortening, or inclusion of intronic material. Several computational tools predict a significant impact on normal splicing: Four predict the variant abolishes a 5 splicing donor site. However, these predictions have yet to be confirmed by functional studies. The variant was absent in 182829 control chromosomes (gnomAD). c.8027+2T>A has been reported in the literature in individuals affected with Dystrophinopathies (Bovolenta_2011, Flanigan_2009, Spitali_2009). These data indicate that the variant may be associated with disease. To our knowledge, no experimental evidence demonstrating an impact on protein function has been reported. No clinical diagnostic laboratories have submitted clinical-significance assessments for this variant to ClinVar after 2014. Based on the evidence outlined above, the variant was classified as likely pathogenic.

Athena Diagnostics
Classification: Pathogenic for Duchenne muscular dystrophy. Last evaluated: 2012-08-08. Review status: criteria provided, single submitter. Criteria: Athena Diagnostics Criteria. Collection method: clinical testing. Allele origin: germline. Inheritance: X-linked recessive inheritance.
Comment: X-linked recessive inheritance

Dr. Peter K. Rogan Lab, Western University
No classification provided (evidence only). Condition: Nonpapillary renal cell carcinoma. Review status: no classification provided. Collection method: in vitro. Allele origin: not applicable. Functional consequence: retained intron. Not counted in ClinVar's aggregate classification.

Literature cited by the submitters: PubMed 19937601 (cited by Women's Health and Genetics/Laboratory Corporation of America, LabCorp and Athena Diagnostics); PubMed 19760747 (cited by Women's Health and Genetics/Laboratory Corporation of America, LabCorp and Athena Diagnostics); PubMed 22223181 (cited by Women's Health and Genetics/Laboratory Corporation of America, LabCorp).